The following is an entry in ClinVar:

ClinVar aggregate classification (germline): Pathogenic. Review status: reviewed by expert panel (3 of 4 stars). 9 submissions from 9 submitters: Pathogenic (1). 8 of the submissions do not count toward it. Last evaluated 2025-07-07.

Conditions:
Hurler syndrome. Also called: Gargoylism, Hurler Syndrome; Severe MPS I (Hurler Syndrome); MUCOPOLYSACCHARIDOSIS TYPE IH. Identifiers: Orphanet 93473, MedGen C0086795, MONDO:0011758, OMIM 607014.
Mucopolysaccharidosis type 1. Also called: IDUA deficiency; MPS I; Mucopolysaccharidosis Type I. Identifiers: Orphanet 579, MedGen C0023786, MONDO:0001586.
IDUA-related disorders.
Mucopolysaccharidosis, MPS-I-S. Also called: MPS V; MUCOPOLYSACCHARIDOSIS TYPE V; Scheie Syndrome; MUCOPOLYSACCHARIDOSIS TYPE IS. Identifiers: Orphanet 93474, MedGen C0026708, MONDO:0011760, OMIM 607016.
Mucopolysaccharidosis, MPS-I-H/S. Also called: Mucopolysaccharidosis type IH/S. Identifiers: Orphanet 93476, MedGen C0086431, MONDO:0011759, OMIM 607015.

Allele frequency attached by ClinVar (database versions not stated): gnomAD exomes 0.00002; ExAC 0.00003.
gnomAD v4.1: 9 of 1,611,490 alleles (0.00056%); highest among the groups gnomAD compares: East Asian, 0.0045%; no homozygotes.

Submissions (9):

ClinGen Lysosomal Storage Disorder Variant Curation Expert Panel
Classification: Pathogenic for Mucopolysaccharidosis type 1. Last evaluated: 2025-07-07. Review status: reviewed by expert panel. Criteria: ClinGen LSD ACMG Specifications IDUA V1.0.0. Collection method: curation. Allele origin: germline. Inheritance: Autosomal recessive inheritance.
Comment: The NM_000203.5(IDUA):c.1882C>T (p.Arg628Ter) variant in IDUA is a nonsense variant predicted to cause a premature stop codon in the last exon of the gene and therefore to escape nonsense mediated decay. Less than 10% of the protein is predicted to be removed (PVS1_Moderate). This variant has been detected in at least 16 individuals with MPS I. This variant has been detected in at least 17 individuals with MPS I. Of those individuals, 6 were compound heterozygous for the variant and a variant that has been classified as pathogenic or likely pathogenic for MPS I by the ClinGen LD VCEP, including c.236C>T (p.Ala79Val) (ClinVar Variation ID: 1458769) (PMID: 27520059, LP, 0.25 pts); c.1205G>A (p.Trp402Ter) (ClinVar Variation ID: 11908) (PMID: 15081804, 25614311, 2 x 0.5 pts); c.208C>T (p.Gln70Ter) (ClinVar Variation ID: 11909) (PMID: 12509712, 19396826, 19954743; one confirmed in trans, one unconfirmed, 1 + 0.5 pt) and c.2T>C (p.Met1?) (PMID: 34813777, 0.5 pts). Ten individuals were homozygous for the variant (PMIDs: 27511503, 24798265, 21521498, 12203999, 11735025, 35141277, 35893030, 22718273, 35123515) (max 2 x 0.5 pt). Another proband was compound heterozygous for the variant and c.809T>G (p.Ile270Ser) (PMID: 16435195); the allelic data from this patient has been used in the classification of p.Ile270Ser and is not included here to avoid circular logic. Total 4.25 pts (PM3_VeryStrong). At least 4 patients with this variant had documented IDUA deficiency within the affected range in leukocytes and/or clinical features specific to MPS I including dysostosis multiplex, hepatosplenomegaly, and corneal involvement (PMIDs: 27520059, 21521498, 19396826, 11735025; PP4_Moderate). The highest population minor allele frequency in gnomAD v4.1.0. is 0.00004459 (2/44852 alleles) in the East Asian population, which is lower than the ClinGen Lysosomal Diseases VCEP’s threshold for PM2_Supporting (<0.00025), meeting this criterion (PM2_Supporting). To our knowledge, the results of functional assays have not been reported for this variant. There is a ClinVar entry for this variant (Variation ID: 550421). In summary, this variant meets the criteria to be classified as pathogenic for MPS I based on the IDUA-specific ACMG/AMP criteria applied, as specified by the ClinGen Lysosomal Diseases Variant Curation Expert Panel (Specifications Version 1.0.0): PM3_VeryStrong, PVS1_Moderate, PP4_Moderate, PM2_Supporting. (Classification approved by the ClinGen Lysosomal Diseases Variant Curation Expert Panel on July 7, 2025)

Labcorp Genetics (formerly Invitae), Labcorp
Classification: Pathogenic for Mucopolysaccharidosis type 1. Last evaluated: 2026-01-13. Review status: criteria provided, single submitter. Criteria: Invitae Variant Classification Sherloc (09022015). Collection method: clinical testing. Allele origin: germline. Not counted in ClinVar's aggregate classification.
Comment: This sequence change creates a premature translational stop signal (p.Arg628*) in the IDUA gene. While this is not anticipated to result in nonsense mediated decay, it is expected to disrupt the last 26 amino acid(s) of the IDUA protein. This variant is present in population databases (rs756572099, gnomAD 0.01%). This premature translational stop signal has been observed in individuals with Hurler syndrome (PMID: 11735025, 16435195). ClinVar contains an entry for this variant (Variation ID: 550421). Algorithms developed to predict the effect of sequence changes on RNA splicing suggest that this variant may disrupt the consensus splice site. This variant disrupts the p.Ser633 amino acid residue in IDUA. Other variant(s) that disrupt this residue have been determined to be pathogenic (PMID: 11735025, 27146977, 28752568). This suggests that this residue is clinically significant, and that variants that disrupt this residue are likely to be disease-causing. For these reasons, this variant has been classified as Pathogenic.

Natera, Inc.
Classification: Pathogenic for Mucopolysaccharidosis type I. Last evaluated: 2025-11-06. Review status: criteria provided, single submitter. Criteria: Natera Variant Classification Schema (03/2026). Collection method: clinical testing. Allele origin: germline. Not counted in ClinVar's aggregate classification.
Comment: The c.1882C>T variant in IDUA is a nonsense variant predicted to introduce a stop codon at amino acid 628. This variant is expected to result in nonsense mediated decay, truncation, or a dysfunctional protein product. This variant is rare in the general population with a frequency below the threshold expected for the associated phenotype(s). This variant has been observed in one or more individuals affected with the associated recessive disease, as either homozygous or compound heterozygous with a second variant (PMID: 35123515, 19396826). Given the available evidence, this variant is classified as Pathogenic.

Blueprint Genetics
Classification: Pathogenic for IDUA-related disorders. Last evaluated: 2024-06-12. Review status: criteria provided, single submitter. Criteria: ACMG Guidelines, 2015. Collection method: clinical testing. Allele origin: germline. Affected: yes. Observed: 3 variant alleles. Not counted in ClinVar's aggregate classification.

Foundation for Research in Genetics and Endocrinology, FRIGE's Institute of Human Genetics
Classification: Pathogenic for Hurler syndrome. Last evaluated: 2024-05-09. Review status: criteria provided, single submitter. Criteria: ACMG Guidelines, 2015. Collection method: clinical testing. Allele origin: germline. Inheritance: Autosomal recessive inheritance. Affected: yes. Observed: 1 homozygote. Not counted in ClinVar's aggregate classification.
Comment: A homozygous variant in exon 14 of the IDUA gene that results in a stop codon and premature truncation of the protein at codon 628 (p.Arg628Ter) was detected. The observed variant c.1882C>T (p.Arg628Ter) has not been reported in the 1000 genomes and has MAF 0.002% in the gnomAD database. The in-silico prediction of the variant is damaging by DANN and MutationTaster. This variant has previously been reported in MPS-I patients (PMID:27520059). In summary, the variant meets our criteria to be classified as pathogenic.

Revvity Omics, Revvity
Classification: Pathogenic. Last evaluated: 2023-08-03. Review status: criteria provided, single submitter. Criteria: ACMG Guidelines, 2015. Collection method: clinical testing. Allele origin: germline. Not counted in ClinVar's aggregate classification.

Women's Health and Genetics/Laboratory Corporation of America, LabCorp
Classification: Pathogenic for Mucopolysaccharidosis type 1. Last evaluated: 2020-09-28. Review status: criteria provided, single submitter. Criteria: LabCorp Variant Classification Summary - May 2015. Collection method: clinical testing. Allele origin: germline. Not counted in ClinVar's aggregate classification.
Comment: Variant summary: IDUA c.1882C>T (p.Arg628X) results in a premature termination codon, predicted to cause a truncation of the encoded protein or absence of the protein due to nonsense mediated decay, which are commonly known mechanisms for disease. Truncations downstream of this position have been classified as pathogenic by our laboratory. The variant allele was found at a frequency of 2e-05 in 248786 control chromosomes. c.1882C>T has been reported in the literature in multiple individuals affected with Mucopolysaccharidosis Type 1 (example, Beesley_2001, Venturi_2002, Vazna_2009, Kwak_2016, Clarke_2019). These data indicate that the variant is very likely to be associated with disease. To our knowledge, no experimental evidence demonstrating an impact on protein function has been reported. Two clinical diagnostic laboratories have submitted clinical-significance assessments for this variant to ClinVar after 2014 without evidence for independent evaluation. All laboratories classified the variant as pathogenic citing overlapping evidence utilized in the context of this evaluation. Based on the evidence outlined above, the variant was classified as pathogenic.

Juno Genomics, Hangzhou Juno Genomics, Inc
Classification: Pathogenic for Hurler syndrome; Mucopolysaccharidosis, MPS-I-H/S; Mucopolysaccharidosis, MPS-I-S. Review status: criteria provided, single submitter. Criteria: ACMG Guidelines, 2015. Collection method: clinical testing. Allele origin: germline. Not counted in ClinVar's aggregate classification.
Comment: Absent from controls (or at extremely low frequency if recessive) in Genome Aggregation Database.;Null variant in a gene where loss of function (LOF) is a known mechanism of disease.;For recessive disorders, detected in trans with a pathogenic variant.;Patient's phenotype or family history is highly specific for a disease with a single genetic etiology.

Counsyl
Classification: Pathogenic for Hurler syndrome. Last evaluated: 2017-01-20. Review status: no assertion criteria provided. Collection method: clinical testing. Allele origin: unknown. Not counted in ClinVar's aggregate classification.

Literature cited by the submitters: PubMed 11735025 (cited by 3 submitters); PubMed 16435195 (cited by Labcorp Genetics (formerly Invitae), Labcorp and Counsyl); PubMed 27146977 (cited by Labcorp Genetics (formerly Invitae), Labcorp); PubMed 28752568 (cited by Labcorp Genetics (formerly Invitae), Labcorp); PubMed 35123515 (cited by Natera, Inc.); PubMed 19396826 (cited by 3 submitters); PubMed 27520059 (cited by Women's Health and Genetics/Laboratory Corporation of America, LabCorp); PubMed 31194252 (cited by Women's Health and Genetics/Laboratory Corporation of America, LabCorp); PubMed 30903511 (cited by Women's Health and Genetics/Laboratory Corporation of America, LabCorp); PubMed 12203999 (cited by Women's Health and Genetics/Laboratory Corporation of America, LabCorp and Counsyl); PubMed 22074387 (cited by Counsyl); PubMed 12509712 (cited by Counsyl); PubMed 25614311 (cited by Counsyl); PubMed 27511503 (cited by Counsyl); PubMed 24798265 (cited by Counsyl).

NM_000203.5(IDUA):c.1882C>T (p.Arg628Ter)

Gene: IDUA (alpha-L-iduronidase; plus strand). Cytogenetic location: 4p16.3.
Variant type: single nucleotide variant.
Coding change: c.1882C>T on transcript NM_000203.5 (MANE Select); coding-DNA position 1882, C replaced by T.
Protein change: p.Arg628Ter; replaces arginine 628 with a stop codon.
Molecular consequence: nonsense. On other transcripts: non-coding transcript variant (1).
Genome position (GRCh38, 1-based): chr4:1,004,313, C>T. VCF-style: chr4-1004313-C-T. GRCh37 (hg19) VCF-style: chr4-998101-C-T.
Other names: p.Arg628Ter; NM_000203.5(IDUA):c.1882C>T; c.1486C>T, p.Arg496Ter (NM_001363576.1); short protein forms R628*, R496*.
Identifiers: ClinVar variation 550421 (VCV000550421.24), dbSNP rs756572099, ClinGen allele CA2802462.
Genomic context (GRCh38, chr4:1,004,313, plus strand): 5'-TCTCCAGACACAGGTGCTGTCTCTGGCTCCTACCGAGTTCGAGCCCTGGACTACTGGGCC[C>T]GACCAGGCCCCTTCTCGGACCCTGTGCCGTACCTGGAGGTCCCTGTGCCAAGAGGGCCCC-3'